The following is an entry in ClinVar:

NM_032704.5(TUBA1C):c.663C>T (p.Arg221=)

Gene: TUBA1C (tubulin alpha 1c; plus strand). Cytogenetic location: 12q13.12.
Variant type: single nucleotide variant.
Coding change: c.663C>T on transcript NM_032704.5 (MANE Select); coding-DNA position 663, C replaced by T.
Protein change: p.Arg221=; no amino-acid change (arginine 221 retained).
Molecular consequence: synonymous variant.
Genome position (GRCh38, 1-based): chr12:49,272,540, C>T. VCF-style: chr12-49272540-C-T. GRCh37 (hg19) VCF-style: chr12-49666323-C-T.
Other names: c.873C>T, p.Arg291= (NM_001303114.1); c.558C>T, p.Arg186= (NM_001303115.2, NM_001303116.2, NM_001303117.2).
Identifiers: ClinVar variation 2642968 (VCV002642968.24), dbSNP rs561090052, ClinGen allele CA6550629.

ClinVar aggregate classification (germline): Likely benign (1 of 4 stars; one submission).

Allele frequency attached by ClinVar (database versions not stated): ExAC 0.00004; 1000 Genomes Project 30x 0.00031; 1000 Genomes Project 0.00040.

Submission:

CeGaT Center for Human Genetics Tuebingen
Classification: Likely benign. Last evaluated: 2023-04-01. Review status: criteria provided, single submitter. Criteria: CeGaT Center For Human Genetics Tuebingen Variant Classification Criteria Version 2. Collection method: clinical testing. Allele origin: germline. Affected: yes. Observed: 1 variant allele.
Comment: TUBA1C: BP4, BP7